The following is an entry in ClinVar:

ClinVar aggregate classification (germline): Uncertain significance (1 of 4 stars; one submission).

Conditions:
Hereditary pancreatitis (PCTT). Also called: Hereditary chronic pancreatitis; PRSS1-Related Hereditary Pancreatitis. Identifiers: Orphanet 676, MedGen C0238339, MONDO:0008185, OMIM 167800.

Submission:

Ambry Genetics
Classification: Uncertain significance for Hereditary pancreatitis. Last evaluated: 2025-05-19. Review status: criteria provided, single submitter. Criteria: Ambry Variant Classification Scheme 2023. Collection method: clinical testing. Allele origin: germline.
Comment: The p.V30M variant (also known as c.88G>A), located in coding exon 2 of the CTRC gene, results from a G to A substitution at nucleotide position 88. The valine at codon 30 is replaced by methionine, an amino acid with highly similar properties. This amino acid position is conserved. In addition, this alteration is predicted to be deleterious by in silico analysis. Based on the available evidence, the clinical significance of this variant remains unclear.

NM_007272.3(CTRC):c.88G>A (p.Val30Met)

Gene: CTRC (chymotrypsin C; plus strand). Cytogenetic location: 1p36.21.
Variant type: single nucleotide variant.
Coding change: c.88G>A on transcript NM_007272.3 (MANE Select); coding-DNA position 88, G replaced by A.
Protein change: p.Val30Met; replaces valine 30 with methionine.
Molecular consequence: missense variant.
Genome position (GRCh38, 1-based): chr1:15,440,347, G>A. VCF-style: chr1-15440347-G-A. GRCh37 (hg19) VCF-style: chr1-15766843-G-A.
Other names: short protein forms V30M.
Identifiers: ClinVar variation 4008125 (VCV004008125.1).